The following is an entry in ClinVar:

ClinVar aggregate classification (germline): Likely benign. Review status: criteria provided, multiple submitters, no conflicts (2 of 4 stars). 3 submissions from 3 submitters: Likely benign (3). Last evaluated 2026-04-12.

Conditions:
NTRK1-related disorder. Also called: NTRK1-related condition.
Hereditary insensitivity to pain with anhidrosis (CIPA). Also called: NTRK1 Congenital Insensitivity to Pain with Anhidrosis; FAMILIAL DYSAUTONOMIA, TYPE II; INSENSITIVITY TO PAIN, CONGENITAL, WITH ANHIDROSIS; HSAN Type IV; NEUROPATHY, CONGENITAL SENSORY, WITH ANHIDROSIS; hereditary sensory and autonomic neuropathy type 4. Identifiers: Orphanet 642, MedGen C0020074, MONDO:0009746, OMIM 256800.

Allele frequency attached by ClinVar (database versions not stated): gnomAD exomes 0.00004 and 0.00006; gnomAD 0.00009 and 0.00011; TOPMed 0.00009; 1000 Genomes Project 30x 0.00016; 1000 Genomes Project 0.00020; ExAC 0.00020.
gnomAD v4.1: 80 of 1,589,204 alleles (0.005%); highest among the groups gnomAD compares: Admixed American, 0.042%; no homozygotes.

Submissions (3):

PreventionGenetics, part of Exact Sciences
Classification: Likely benign for NTRK1-related condition. Last evaluated: 2026-04-12. Review status: criteria provided, single submitter. Criteria: ACMG Guidelines, 2015. Collection method: clinical testing. Allele origin: germline.
Comment: This variant is classified as likely benign based on ACMG/AMP sequence variant interpretation guidelines (Richards et al. 2015 PMID: 25741868, with internal and published modifications).

Labcorp Genetics (formerly Invitae), Labcorp
Classification: Likely benign for Hereditary insensitivity to pain with anhidrosis. Last evaluated: 2026-01-20. Review status: criteria provided, single submitter. Criteria: Invitae Variant Classification Sherloc (09022015). Collection method: clinical testing. Allele origin: germline.

CeGaT Center for Human Genetics Tuebingen
Classification: Likely benign. Last evaluated: 2024-12-01. Review status: criteria provided, single submitter. Criteria: CeGaT Center For Human Genetics Tuebingen Variant Classification Criteria Version 2. Collection method: clinical testing. Allele origin: germline. Affected: yes. Observed: 2 variant alleles.
Comment: NTRK1: BP4, BP7

NM_002529.4(NTRK1):c.1101C>T (p.Phe367=)

Gene: NTRK1 (neurotrophic receptor tyrosine kinase 1; plus strand). Cytogenetic location: 1q23.1.
Variant type: single nucleotide variant.
Coding change: c.1101C>T on transcript NM_002529.4 (MANE Select); coding-DNA position 1101, C replaced by T.
Protein change: p.Phe367=; no amino-acid change (phenylalanine 367 retained).
Molecular consequence: synonymous variant.
Genome position (GRCh38, 1-based): chr1:156,873,883, C>T. VCF-style: chr1-156873883-C-T. GRCh37 (hg19) VCF-style: chr1-156843675-C-T.
Other names: c.1011C>T, p.Phe337= (NM_001007792.1); c.1101C>T, p.Phe367= (NM_001012331.2); c.1101C>T (NM_002529.3).
Identifiers: ClinVar variation 771682 (VCV000771682.35), dbSNP rs534972681, ClinGen allele CA1169188.
Genomic context (GRCh38, chr1:156,873,883, plus strand): 5'-CCTCAACCAGCCCACCCACGTCAACAACGGCAACTACACGCTGCTGGCTGCCAACCCCTT[C>T]GGCCAGGCCTCCGCCTCCATCATGGCTGCCTTCATGGACAACCCTTTCGAGTTCAACCCC-3'
Protein context (NP_002520.2, residues 357-377): GNYTLLAANP[Phe367=]GQASASIMAA